The following is an entry in ClinVar:

ClinVar aggregate classification (germline): Conflicting classifications of pathogenicity. Review status: criteria provided, conflicting classifications (1 of 4 stars). 5 submissions from 4 submitters: Uncertain significance (4); Likely benign (1). Last evaluated 2023-10-01.

Conditions:
Retinitis pigmentosa (RP). Identifiers: Orphanet 791, MedGen C0035334, MeSH D012174, MONDO:0019200, OMIM 268000. Inheritance: Autosomal dominant, autosomal recessive and X linked inheritance.
Retinal dystrophy. Also called: Inherited retinal dystrophy. Identifiers: Orphanet 71862, MedGen C0854723, MeSH D058499, MONDO:0019118, HP:0000556.
Leber congenital amaurosis 3 (LCA3). Also called: SPATA7-Related Retinitis Pigmentosa. Identifiers: MedGen C1858677, MONDO:0011415, OMIM 604232.

Allele frequency attached by ClinVar (database versions not stated): gnomAD 0.00002 and 0.00005; TOPMed 0.00002; gnomAD exomes 0.00004; ExAC 0.00007.
gnomAD v4.1: 122 of 1,614,048 alleles (0.0076%); highest among the groups gnomAD compares: East Asian, 0.27%; no homozygotes.

Submissions (5):

Dept Of Ophthalmology, Nagoya University
Classification: Likely benign for Retinal dystrophy. Last evaluated: 2023-10-01. Review status: criteria provided, single submitter. Criteria: Submitter's publication. Collection method: research. Allele origin: germline. Affected: yes.

Labcorp Genetics (formerly Invitae), Labcorp
Classification: Uncertain significance for Leber congenital amaurosis 3. Last evaluated: 2022-10-17. Review status: criteria provided, single submitter. Criteria: Invitae Variant Classification Sherloc (09022015). Collection method: clinical testing. Allele origin: germline.
Comment: This sequence change replaces phenylalanine, which is neutral and non-polar, with leucine, which is neutral and non-polar, at codon 492 of the SPATA7 protein (p.Phe492Leu). This variant is present in population databases (rs750676893, gnomAD 0.07%). This variant has not been reported in the literature in individuals affected with SPATA7-related conditions. ClinVar contains an entry for this variant (Variation ID: 886739). Advanced modeling of protein sequence and biophysical properties (such as structural, functional, and spatial information, amino acid conservation, physicochemical variation, residue mobility, and thermodynamic stability) performed at Invitae indicates that this missense variant is not expected to disrupt SPATA7 protein function. In summary, the available evidence is currently insufficient to determine the role of this variant in disease. Therefore, it has been classified as a Variant of Uncertain Significance.

Blueprint Genetics
Classification: Uncertain significance. Last evaluated: 2022-09-01. Review status: criteria provided, single submitter. Criteria: ACMG Guidelines, 2015. Collection method: clinical testing. Allele origin: germline.

Illumina Laboratory Services, Illumina
Classification: Uncertain significance for Leber congenital amaurosis 3. Last evaluated: 2018-01-13. Review status: criteria provided, single submitter. Criteria: ICSL Variant Classification Criteria 13 December 2019. Collection method: clinical testing. Allele origin: germline.

Illumina Laboratory Services, Illumina
Classification: Uncertain significance for Retinitis pigmentosa. Last evaluated: 2018-01-13. Review status: criteria provided, single submitter. Criteria: ICSL Variant Classification Criteria 13 December 2019. Collection method: clinical testing. Allele origin: germline.

NM_018418.5(SPATA7):c.1476C>A (p.Phe492Leu)

Gene: SPATA7 (spermatogenesis associated 7; plus strand). Cytogenetic location: 14q31.3.
Variant type: single nucleotide variant.
Coding change: c.1476C>A on transcript NM_018418.5 (MANE Select); coding-DNA position 1476, C replaced by A.
Protein change: p.Phe492Leu; replaces phenylalanine 492 with leucine.
Molecular consequence: missense variant.
Genome position (GRCh38, 1-based): chr14:88,438,098, C>A. VCF-style: chr14-88438098-C-A. GRCh37 (hg19) VCF-style: chr14-88904442-C-A.
Other names: c.1380C>A, p.Phe460Leu (NM_001040428.4); short protein forms F460L, F492L.
Identifiers: ClinVar variation 886739 (VCV000886739.12), dbSNP rs750676893, ClinGen allele CA7298818.
Genomic context (GRCh38, chr14:88,438,098, plus strand): 5'-TATGTTATTGTCGGCACCAAAGGATGAGAACGAGATATTCCCTTCACCAACTGAATTTTT[C>A]ATGCCTATTTATAAATCAAAGCATTCAGAAGGGGTTATAATTCAACAGGTGAATGATGAA-3'
Protein context (NP_060888.2, residues 482-502): NEIFPSPTEF[Phe492Leu]MPIYKSKHSE